The following is an entry in ClinVar:

ClinVar aggregate classification (germline): Uncertain significance (1 of 4 stars; one submission).

Conditions:
Neuropathy, hereditary sensory and autonomic, type 2A (HSAN2A). Also called: ACROOSTEOLYSIS, GIACCAI TYPE; ACROOSTEOLYSIS, NEUROGENIC; MORVAN DISEASE; NEUROPATHY, CONGENITAL SENSORY; NEUROPATHY, HEREDITARY SENSORY RADICULAR, AUTOSOMAL RECESSIVE; NEUROPATHY, HEREDITARY SENSORY, TYPE IIA. Identifiers: Orphanet 970, MedGen C2752089, MONDO:0024309, OMIM 201300.
Pseudohypoaldosteronism type 2C (PHA2C). Also called: Pseudohypoaldosteronism Type IIC. Identifiers: Orphanet 757, Orphanet 88940, MedGen C1840391, MONDO:0013778, OMIM 614492.

Allele frequency attached by ClinVar (database versions not stated): gnomAD exomes below 0.00001; TOPMed 0.00001.
gnomAD v4.1: 1 of 1,614,224 alleles (0.000062%); highest among the groups gnomAD compares: Non-Finnish European, 0.000085%; no homozygotes.

Submission:

Labcorp Genetics (formerly Invitae), Labcorp
Classification: Uncertain significance for Neuropathy, hereditary sensory and autonomic, type 2A; Pseudohypoaldosteronism type 2C. Last evaluated: 2020-11-04. Review status: criteria provided, single submitter. Criteria: Invitae Variant Classification Sherloc (09022015). Collection method: clinical testing. Allele origin: germline.
Comment: In summary, the available evidence is currently insufficient to determine the role of this variant in disease. Therefore, it has been classified as a Variant of Uncertain Significance. Advanced modeling of protein sequence and biophysical properties (such as structural, functional, and spatial information, amino acid conservation, physicochemical variation, residue mobility, and thermodynamic stability) performed at Invitae indicates that this missense variant is not expected to disrupt WNK1 protein function. This variant has not been reported in the literature in individuals with WNK1-related conditions. This variant is not present in population databases (ExAC no frequency). This sequence change replaces threonine with proline at codon 1894 of the WNK1 protein (p.Thr1894Pro). The threonine residue is moderately conserved and there is a small physicochemical difference between threonine and proline.

NM_018979.4(WNK1):c.4924A>C (p.Thr1642Pro)

Gene: WNK1 (WNK lysine deficient protein kinase 1; plus strand). Cytogenetic location: 12p13.33.
Variant type: single nucleotide variant.
Coding change: c.4924A>C on transcript NM_018979.4 (MANE Select); coding-DNA position 4924, A replaced by C.
Protein change: p.Thr1642Pro; replaces threonine 1642 with proline.
Molecular consequence: missense variant.
Genome position (GRCh38, 1-based): chr12:885,728, A>C. VCF-style: chr12-885728-A-C. GRCh37 (hg19) VCF-style: chr12-994894-A-C.
Other names: c.5704A>C, p.Thr1902Pro (NM_001184985.2); c.4183A>C, p.Thr1395Pro (NM_014823.3); c.5680A>C, p.Thr1894Pro (NM_213655.5); short protein forms T1642P, T1894P, T1902P, T1395P.
Identifiers: ClinVar variation 1496528 (VCV001496528.8), dbSNP rs1953587587, ClinGen allele CA383332225.
Genomic context (GRCh38, chr12:885,728, plus strand): 5'-CCTCAACCAGCTTTGCTTCCCAACCAGCCCCATACTCATTGTCCTGAAGTAGATTCTGAT[A>C]CACAACCCAAAGCTCCTGGAATTGATGACATAAAGACTCTAGAAGAAAAGCTGCGGTCTC-3'
Protein context (NP_061852.3, residues 1632-1652): HTHCPEVDSD[Thr1642Pro]QPKAPGIDDI